The following is an entry in ClinVar:

ClinVar aggregate classification (germline): Benign (1 of 4 stars; one submission).

Conditions:
Colorectal cancer, hereditary nonpolyposis, type 7. Identifiers: Orphanet 144, MedGen C1858380, MONDO:0013725, OMIM 614385.

Submission:

Myriad Genetics, Inc.
Classification: Benign for Colorectal cancer, hereditary nonpolyposis, type 7. Last evaluated: 2026-09-18. Review status: criteria provided, single submitter. Criteria: Myriad Autosomal Dominant, Autosomal Recessive and X-Linked Classification Criteria (2023). Collection method: clinical testing. Allele origin: unknown.
Comment: This variant is considered benign. This variant is a silent/synonymous amino acid change and it is not expected to impact splicing.

NM_001040108.2(MLH3):c.2847A>G (p.Lys949=)

Gene: MLH3 (mutL homolog 3; minus strand). Cytogenetic location: 14q24.3.
Variant type: single nucleotide variant.
Coding change: c.2847A>G on transcript NM_001040108.2 (MANE Select); coding-DNA position 2847, A replaced by G.
Protein change: p.Lys949=; no amino-acid change (lysine 949 retained).
Molecular consequence: synonymous variant.
Genome position (GRCh38, 1-based): chr14:75,046,809, T>C on the plus strand (A>G on the coding strand, the complement: MLH3 is on the minus strand). VCF-style: chr14-75046809-T-C. GRCh37 (hg19) VCF-style: chr14-75513512-T-C.
Other names: c.2847A>G, p.Lys949= (NM_014381.3).
Identifiers: ClinVar variation 5042149 (VCV005042149.1).